The following is an entry in ClinVar:

NM_001267550.2(TTN):c.96172C>T (p.Arg32058Trp)

Genes: TTN (titin; minus strand), TTN-AS1 (TTN antisense RNA 1; plus strand), LOC126806421 (CDK7 strongly-dependent group 2 enhancer GRCh37_chr2:179407630-179408829; plus strand). Cytogenetic location: 2q31.2.
Variant type: single nucleotide variant.
Coding change: c.96172C>T on transcript NM_001267550.2 (MANE Select); coding-DNA position 96172, C replaced by T.
Protein change: p.Arg32058Trp; replaces arginine 32058 with tryptophan.
Molecular consequence: missense variant.
Genome position (GRCh38, 1-based): chr2:178,543,972, G>A on the plus strand (C>T on the coding strand, the complement: TTN is on the minus strand). VCF-style: chr2-178543972-G-A. GRCh37 (hg19) VCF-style: chr2-179408699-G-A.
Other names: p.Arg30417Trp; c.91249C>T, p.Arg30417Trp (NM_001256850.1); c.68977C>T, p.Arg22993Trp (NM_003319.4); c.88468C>T, p.Arg29490Trp (NM_133378.4); c.69352C>T, p.Arg23118Trp (NM_133432.3); c.69553C>T, p.Arg23185Trp (NM_133437.4); short protein forms R29490W, R32058W, R30417W, R22993W, R23118W, R23185W.
Identifiers: ClinVar variation 498721 (VCV000498721.59), dbSNP rs201463708, ClinGen allele CA1986809.

ClinVar aggregate classification (germline): Conflicting classifications of pathogenicity. Review status: criteria provided, conflicting classifications (1 of 4 stars). 9 submissions from 9 submitters: Uncertain significance (6); Likely benign (3). Last evaluated 2026-06-19.

Conditions:
TTN-related disorder. Also called: TTN-related condition; TTN-related disease; TTN-related disorders.
Dilated cardiomyopathy 1G (CMD1G). Identifiers: Orphanet 154, MedGen C1858763, MONDO:0011400, OMIM 604145.
Autosomal recessive limb-girdle muscular dystrophy type 2J (LGMDR10). Also called: Limb-girdle muscular dystrophy, type 2J; MUSCULAR DYSTROPHY, LIMB-GIRDLE, AUTOSOMAL RECESSIVE 10. Identifiers: Orphanet 140922, MedGen C1837342, MONDO:0012127, OMIM 608807.

Allele frequency attached by ClinVar (database versions not stated): gnomAD exomes 0.00001 and 0.00003; ExAC 0.00002; gnomAD 0.00007 and 0.00008; ESP Exome Variant Server 0.00008; TOPMed 0.00010.
gnomAD v4.1: 36 of 1,613,456 alleles (0.0022%); highest among the groups gnomAD compares: African/African-American, 0.015%; no homozygotes.

Submissions (9):

PreventionGenetics, part of Exact Sciences
Classification: Uncertain significance for TTN-related condition. Last evaluated: 2026-06-19. Review status: criteria provided, single submitter. Criteria: ACMG Guidelines, 2015. Collection method: clinical testing. Allele origin: germline.
Comment: The TTN c.96172C>T variant is predicted to result in the amino acid substitution p.Arg32058Trp. To our knowledge, this variant has not been reported in the literature. This variant is reported in 0.017% of alleles in individuals of African descent in gnomAD. At this time, the clinical significance of this variant is uncertain due to the absence of conclusive functional and genetic evidence.

Molecular Diagnostic Laboratory for Inherited Cardiovascular Disease, Montreal Heart Institute
Classification: Likely benign. Last evaluated: 2025-04-09. Review status: criteria provided, single submitter. Criteria: ACMG Guidelines, 2015. Collection method: clinical testing. Allele origin: germline. Affected: no.

Blueprint Genetics
Classification: Likely benign. Last evaluated: 2024-10-11. Review status: criteria provided, single submitter. Criteria: ACMG Guidelines, 2015. Collection method: clinical testing. Allele origin: germline.

Mayo Clinic Laboratories, Mayo Clinic
Classification: Uncertain significance. Last evaluated: 2021-06-17. Review status: criteria provided, single submitter. Criteria: ACMG Guidelines, 2015. Collection method: clinical testing. Allele origin: germline.

Revvity Omics, Revvity
Classification: Uncertain significance. Last evaluated: 2020-06-05. Review status: criteria provided, single submitter. Criteria: ACMG Guidelines, 2015. Collection method: clinical testing. Allele origin: germline.

GeneDx
Classification: Likely benign. Last evaluated: 2018-09-07. Review status: criteria provided, single submitter. Criteria: GeneDx Variant Classification Process June 2021. Collection method: clinical testing. Allele origin: germline. Affected: yes.

CeGaT Center for Human Genetics Tuebingen
Classification: Uncertain significance. Last evaluated: 2018-02-01. Review status: criteria provided, single submitter. Criteria: CeGaT Center For Human Genetics Tuebingen Variant Classification Criteria Version 2. Collection method: clinical testing. Allele origin: germline. Affected: yes. Observed: 1 variant allele.

Labcorp Genetics (formerly Invitae), Labcorp
Classification: Uncertain significance for Dilated cardiomyopathy 1G; Autosomal recessive limb-girdle muscular dystrophy type 2J. Last evaluated: 2017-12-01. Review status: criteria provided, single submitter. Criteria: Invitae Variant Classification Sherloc (09022015). Collection method: clinical testing. Allele origin: germline.

Eurofins Ntd Llc (ga)
Classification: Uncertain significance. Last evaluated: 2016-12-01. Review status: criteria provided, single submitter. Criteria: EGL Classification Definitions 2015. Collection method: clinical testing. Allele origin: germline. Observed: 1 variant allele, 1 heterozygote.